The following is an entry in ClinVar:

ClinVar aggregate classification (germline): Likely benign. Review status: criteria provided, multiple submitters, no conflicts (2 of 4 stars). 2 submissions from 2 submitters: Likely benign (2). Last evaluated 2025-11-01.

Allele frequency attached by ClinVar (database versions not stated): gnomAD exomes below 0.00001; TOPMed 0.00001.

Submissions (2):

CeGaT Center for Human Genetics Tuebingen
Classification: Likely benign. Last evaluated: 2025-11-01. Review status: criteria provided, single submitter. Criteria: CeGaT Center For Human Genetics Tuebingen Variant Classification Criteria Version 2. Collection method: clinical testing. Allele origin: germline. Affected: yes. Observed: 1 variant allele.
Comment: AHDC1: BP4

Labcorp Genetics (formerly Invitae), Labcorp
Classification: Likely benign. Last evaluated: 2025-05-12. Review status: criteria provided, single submitter. Criteria: Invitae Variant Classification Sherloc (09022015). Collection method: clinical testing. Allele origin: germline.

NM_001371928.1(AHDC1):c.84C>T (p.Tyr28=)

Gene: AHDC1 (AT-hook DNA binding motif containing 1; minus strand). Cytogenetic location: 1p36.11.
Variant type: single nucleotide variant.
Coding change: c.84C>T on transcript NM_001371928.1 (MANE Select); coding-DNA position 84, C replaced by T.
Protein change: p.Tyr28=; no amino-acid change (tyrosine 28 retained).
Molecular consequence: synonymous variant.
Genome position (GRCh38, 1-based): chr1:27,552,032, G>A on the plus strand (C>T on the coding strand, the complement: AHDC1 is on the minus strand). VCF-style: chr1-27552032-G-A. GRCh37 (hg19) VCF-style: chr1-27878543-G-A.
Other names: c.84C>T, p.Tyr28= (NM_001029882.3).
Identifiers: ClinVar variation 2428311 (VCV002428311.13), dbSNP rs917408418, ClinGen allele CA19879783.